The following is an entry in ClinVar:

ClinVar aggregate classification (germline): Likely benign. Review status: criteria provided, multiple submitters, no conflicts (2 of 4 stars). 2 submissions from 2 submitters: Likely benign (2). Last evaluated 2023-06-20.

Conditions:
Propionic acidemia (PROP). Also called: GLYCINEMIA, KETOTIC; HYPERGLYCINEMIA WITH KETOACIDOSIS AND LEUKOPENIA; KETOTIC HYPERGLYCINEMIA. Identifiers: Orphanet 35, MedGen C0268579, MONDO:0011628, OMIM 606054, HP:0003571.

gnomAD v4.1: 4 of 1,548,930 alleles (0.00026%); highest among the groups gnomAD compares: South Asian, 0.0045%; no homozygotes.

Submissions (2):

Labcorp Genetics (formerly Invitae), Labcorp
Classification: Likely benign for Propionic acidemia. Last evaluated: 2023-06-20. Review status: criteria provided, single submitter. Criteria: Invitae Variant Classification Sherloc (09022015). Collection method: clinical testing. Allele origin: germline.

GeneDx
Classification: Likely benign. Last evaluated: 2016-09-06. Review status: criteria provided, single submitter. Criteria: GeneDx Variant Classification (06012015). Collection method: clinical testing. Allele origin: germline. Affected: yes.
Comment: This variant is considered likely benign or benign based on one or more of the following criteria: it is a conservative change, it occurs at a poorly conserved position in the protein, it is predicted to be benign by multiple in silico algorithms, and/or has population frequency not consistent with disease.

NM_000282.4(PCCA):c.637+18C>T

Gene: PCCA (propionyl-CoA carboxylase subunit alpha; plus strand). Cytogenetic location: 13q32.3.
Variant type: single nucleotide variant.
Coding change: c.637+18C>T on transcript NM_000282.4 (MANE Select); 18 bases into the intron after coding-DNA position 637, C replaced by T.
Molecular consequence: intron variant.
Genome position (GRCh38, 1-based): chr13:100,235,896, C>T. VCF-style: chr13-100235896-C-T. GRCh37 (hg19) VCF-style: chr13-100888150-C-T.
Other names: c.637+18C>T (NM_001178004.2, NM_001352605.2, NM_001352606.2 and 1 more transcripts); c.-230+18C>T (NM_001352610.2, NM_001352611.2, NM_001352612.2); c.559+18C>T (NM_001127692.3, NM_001352607.2, NM_001352608.2).
Identifiers: ClinVar variation 389013 (VCV000389013.4), dbSNP rs758676556, ClinGen allele CA7033301.